The following is an entry in ClinVar:

ClinVar aggregate classification (germline): Uncertain significance. Review status: criteria provided, multiple submitters, no conflicts (2 of 4 stars). 2 submissions from 2 submitters: Uncertain significance (2). Last evaluated 2022-08-01.

Conditions:
Neurodevelopmental disorder with hypotonia and variable intellectual and behavioral abnormalities. Identifiers: MedGen C5231423, MONDO:0032829, OMIM 618603.

Submissions (2):

Laboratorio de Genetica e Diagnostico Molecular, Hospital Israelita Albert Einstein
Classification: Uncertain significance for Neurodevelopmental disorder with hypotonia and variable intellectual and behavioral abnormalities. Last evaluated: 2022-08-01. Review status: criteria provided, single submitter. Criteria: ACMG Guidelines, 2015. Collection method: clinical testing. Allele origin: germline. Affected: yes.
Comment: ACMG classification criteria: PM2 moderate, PP2 supporting

Blueprint Genetics
Classification: Uncertain significance. Last evaluated: 2022-03-17. Review status: criteria provided, single submitter. Criteria: ACMG Guidelines, 2015. Collection method: clinical testing. Allele origin: germline.

NM_000937.5(POLR2A):c.2595C>G (p.Ile865Met)

Genes: POLR2A (RNA polymerase II subunit A; plus strand), LOC126862481 (BRD4-independent group 4 enhancer GRCh37_chr17:7405086-7406285; plus strand). Cytogenetic location: 17p13.1.
Variant type: single nucleotide variant.
Coding change: c.2595C>G on transcript NM_000937.5 (MANE Select); coding-DNA position 2595, C replaced by G.
Protein change: p.Ile865Met; replaces isoleucine 865 with methionine.
Molecular consequence: missense variant.
Genome position (GRCh38, 1-based): chr17:7,502,540, C>G. VCF-style: chr17-7502540-C-G. GRCh37 (hg19) VCF-style: chr17-7405859-C-G.
Other names: short protein forms I865M.
Identifiers: ClinVar variation 4056755 (VCV004056755.2).